The following is an entry in ClinVar:

NM_004329.3(BMPR1A):c.593C>T (p.Ala198Val)

Gene: BMPR1A (bone morphogenetic protein receptor type 1A; plus strand). Cytogenetic location: 10q23.2.
Variant type: single nucleotide variant.
Coding change: c.593C>T on transcript NM_004329.3 (MANE Select); coding-DNA position 593, C replaced by T.
Protein change: p.Ala198Val; replaces alanine 198 with valine.
Molecular consequence: missense variant.
Genome position (GRCh38, 1-based): chr10:86,912,302, C>T. VCF-style: chr10-86912302-C-T. GRCh37 (hg19) VCF-style: chr10-88672059-C-T.
Other names: short protein forms A198V.
Identifiers: ClinVar variation 631406 (VCV000631406.14), dbSNP rs776160961, ClinGen allele CA377454646.

ClinVar aggregate classification (germline): Uncertain significance. Review status: criteria provided, multiple submitters, no conflicts (2 of 4 stars). 3 submissions from 3 submitters: Uncertain significance (3). Last evaluated 2025-12-18.

Conditions:
Juvenile polyposis syndrome (JPS). Identifiers: Orphanet 2929, MedGen C0345893, MONDO:0017380, OMIM 174900.
Hereditary cancer-predisposing syndrome. Also called: Neoplastic Syndromes, Hereditary; Hereditary neoplastic syndrome; Tumor predisposition; Hereditary Cancer Syndrome. Identifiers: Orphanet 140162, MedGen C0027672, MeSH D009386, MONDO:0015356.

Submissions (3):

Ambry Genetics
Classification: Uncertain significance for Hereditary cancer-predisposing syndrome. Last evaluated: 2025-12-18. Review status: criteria provided, single submitter. Criteria: Ambry Variant Classification Scheme 2023. Collection method: clinical testing. Allele origin: germline.
Comment: The p.A198V variant (also known as c.593C>T), located in coding exon 6 of the BMPR1A gene, results from a C to T substitution at nucleotide position 593. The alanine at codon 198 is replaced by valine, an amino acid with similar properties. This amino acid position is well conserved in available vertebrate species. In addition, this alteration is predicted to be tolerated by in silico analysis. Based on the available evidence, the clinical significance of this variant remains unclear.

Labcorp Genetics (formerly Invitae), Labcorp
Classification: Uncertain significance for Juvenile polyposis syndrome. Last evaluated: 2024-10-19. Review status: criteria provided, single submitter. Criteria: Invitae Variant Classification Sherloc (09022015). Collection method: clinical testing. Allele origin: germline.
Comment: This sequence change replaces alanine, which is neutral and non-polar, with valine, which is neutral and non-polar, at codon 198 of the BMPR1A protein (p.Ala198Val). This variant is not present in population databases (gnomAD no frequency). This variant has not been reported in the literature in individuals affected with BMPR1A-related conditions. ClinVar contains an entry for this variant (Variation ID: 631406). Invitae Evidence Modeling of protein sequence and biophysical properties (such as structural, functional, and spatial information, amino acid conservation, physicochemical variation, residue mobility, and thermodynamic stability) indicates that this missense variant is not expected to disrupt BMPR1A protein function with a negative predictive value of 80%. In summary, the available evidence is currently insufficient to determine the role of this variant in disease. Therefore, it has been classified as a Variant of Uncertain Significance.

Color Diagnostics, LLC DBA Color Health
Classification: Uncertain significance for Hereditary cancer-predisposing syndrome. Last evaluated: 2019-05-16. Review status: criteria provided, single submitter. Criteria: ACMG Guidelines, 2015. Collection method: clinical testing. Allele origin: germline.